The following is an entry in ClinVar:

NM_152564.5(VPS13B):c.3441A>G (p.Glu1147=)

Gene: VPS13B (vacuolar protein sorting 13 homolog B; plus strand). Cytogenetic location: 8q22.2.
Variant type: single nucleotide variant.
Coding change: c.3441A>G on transcript NM_152564.5 (MANE Select); coding-DNA position 3441, A replaced by G.
Protein change: p.Glu1147=; no amino-acid change (glutamic acid 1147 retained).
Molecular consequence: synonymous variant.
Genome position (GRCh38, 1-based): chr8:99,442,631, A>G. VCF-style: chr8-99442631-A-G. GRCh37 (hg19) VCF-style: chr8-100454859-A-G.
Other names: c.3441A>G (NM_152564.4); c.3441A>G, p.Glu1147= (NM_017890.5).
Identifiers: ClinVar variation 1138364 (VCV001138364.10), dbSNP rs767433370, ClinGen allele CA4823246.

ClinVar aggregate classification (germline): Likely benign. Review status: criteria provided, multiple submitters, no conflicts (2 of 4 stars). 2 submissions from 2 submitters: Likely benign (2). Last evaluated 2026-01-07.

Conditions:
Cohen syndrome (COH1). Also called: Cutis verticis gyrata, retinitis pigmentosa, and sensorineural deafness; PEPPER SYNDROME. Identifiers: Orphanet 193, MedGen C0265223, MONDO:0008999, OMIM 216550.
VPS13B-related disorder. Also called: VPS13B-related condition.

Allele frequency attached by ClinVar (database versions not stated): gnomAD exomes below 0.00001 and 0.00001; TOPMed below 0.00001; ExAC 0.00001.
gnomAD v4.1: 5 of 1,613,634 alleles (0.00031%); highest among the groups gnomAD compares: Admixed American, 0.0067%; no homozygotes.

Submissions (2):

PreventionGenetics, part of Exact Sciences
Classification: Likely benign for VPS13B-related condition. Last evaluated: 2026-01-07. Review status: criteria provided, single submitter. Criteria: ACMG Guidelines, 2015. Collection method: clinical testing. Allele origin: germline.
Comment: This variant is classified as likely benign based on ACMG/AMP sequence variant interpretation guidelines (Richards et al. 2015 PMID: 25741868, with internal and published modifications).

Labcorp Genetics (formerly Invitae), Labcorp
Classification: Likely benign for Cohen syndrome. Last evaluated: 2024-10-24. Review status: criteria provided, single submitter. Criteria: Invitae Variant Classification Sherloc (09022015). Collection method: clinical testing. Allele origin: germline.